The following is an entry in ClinVar:

NC_000012.12:g.7777575_7949790dup

Genes: NANOG (Nanog homeobox; plus strand), SLC2A14 (solute carrier family 2 member 14; minus strand), SLC2A3 (solute carrier family 2 member 3; minus strand), LOC108942766 (NANOG 5' regulatory region; plus strand), LOC116268429 (CRISPRi-validated cis-regulatory element chr12.441; plus strand) and 5 more. Cytogenetic location: 12p13.31.
Variant type: Duplication.
Identifiers: ClinVar variation 157237 (VCV000157237.3).

ClinVar aggregate classification (germline): not provided (0 of 4 stars; one submission).

Conditions:
Preeclampsia. Identifiers: Orphanet 275555, MedGen C0032914, MONDO:0005081, HP:0100602.

Submission:

Institute of Molecular and Cell Biology, University of Tartu
No classification provided. Condition: Preeclampsia. Review status: no classification provided. Collection method: case-control. Allele origin: unknown. Affected: yes. Study: Kasak2014.
Comment: The study aimed to determine the contribution of copy number variants in the genetic etiology of normal and complicated pregnancies. The samples represented (i) maternal blood DNA drawn from healthy pregnant women during 1st or 2nd trimester and (ii) maternal and paternal blood DNA drawn at term pregnancy cases representing normal and complicated gestations (severe preeclampsia, PE; gestational diabetes, GD; small-for-gestational age newborn, SGA; large-for-gestational age newborn, LGA). We performed CNV calling based on genome-wide genotyping dataset (Illumina HumanOmniExpress-24-v1 BeadChip) by applying three algorithms, QuantiSNP, GADA (Genome Alteration Detection Algorithm) and CNstream in parallel. The acquired CNV calls were merged with HD-CNV (Hotspot Detector for Copy Number Variants) program and only the CNVs predicted by at least two programs, were considered in subsequent analysis.

Literature cited by the submitters: PubMed 25666259.